The following is an entry in ClinVar:

ClinVar aggregate classification (germline): Uncertain significance (1 of 4 stars; one submission).

Conditions:
Hereditary spastic paraplegia 31. Also called: SPASTIC PARAPLEGIA 31, AUTOSOMAL DOMINANT. Identifiers: Orphanet 101011, MedGen C1853247, MONDO:0012453, OMIM 610250.

Allele frequency attached by ClinVar (database versions not stated): gnomAD exomes below 0.00001.

Submission:

Labcorp Genetics (formerly Invitae), Labcorp
Classification: Uncertain significance for Hereditary spastic paraplegia 31. Last evaluated: 2022-04-28. Review status: criteria provided, single submitter. Criteria: Invitae Variant Classification Sherloc (09022015). Collection method: clinical testing. Allele origin: germline.
Comment: In summary, the available evidence is currently insufficient to determine the role of this variant in disease. Therefore, it has been classified as a Variant of Uncertain Significance. This sequence change replaces methionine, which is neutral and non-polar, with threonine, which is neutral and polar, at codon 187 of the REEP1 protein (p.Met187Thr). This variant is not present in population databases (gnomAD no frequency). This variant has not been reported in the literature in individuals affected with REEP1-related conditions. Algorithms developed to predict the effect of missense changes on protein structure and function (SIFT, PolyPhen-2, Align-GVGD) all suggest that this variant is likely to be tolerated.

NM_001371279.1(REEP1):c.560T>C (p.Met187Thr)

Gene: REEP1 (receptor accessory protein 1; minus strand). Cytogenetic location: 2p11.2.
Variant type: single nucleotide variant.
Coding change: c.560T>C on transcript NM_001371279.1 (MANE Select); coding-DNA position 560, T replaced by C.
Protein change: p.Met187Thr; replaces methionine 187 with threonine.
Molecular consequence: missense variant. On other transcripts: intron variant (1).
Genome position (GRCh38, 1-based): chr2:86,232,660, A>G on the plus strand (T>C on the coding strand, the complement: REEP1 is on the minus strand). VCF-style: chr2-86232660-A-G. GRCh37 (hg19) VCF-style: chr2-86459783-A-G.
Other names: c.581T>C, p.Met194Thr (NM_001164730.2); c.479T>C, p.Met160Thr (NM_001164731.2); c.325T>C, p.Cys109Arg (NM_001164732.2); c.560T>C, p.Met187Thr (NM_001410855.1, NM_001410856.1, NM_022912.3); c.418-15550T>C (NM_001371280.1); short protein forms M160T, M187T, M194T, C109R.
Identifiers: ClinVar variation 1976165 (VCV001976165.5), dbSNP rs2468707545, ClinGen allele CA347547166.